The following is an entry in ClinVar:

ClinVar aggregate classification (germline): Uncertain significance (1 of 4 stars; one submission).

Submission:

Labcorp Genetics (formerly Invitae), Labcorp
Classification: Uncertain significance. Last evaluated: 2024-04-17. Review status: criteria provided, single submitter. Criteria: Invitae Variant Classification Sherloc (09022015). Collection method: clinical testing. Allele origin: germline.
Comment: This sequence change replaces leucine, which is neutral and non-polar, with proline, which is neutral and non-polar, at codon 798 of the ESPN protein (p.Leu798Pro). This variant is not present in population databases (gnomAD no frequency). This variant has not been reported in the literature in individuals affected with ESPN-related conditions. ClinVar contains an entry for this variant (Variation ID: 1714227). An algorithm developed to predict the effect of missense changes on protein structure and function (PolyPhen-2) suggests that this variant is likely to be disruptive. In summary, the available evidence is currently insufficient to determine the role of this variant in disease. Therefore, it has been classified as a Variant of Uncertain Significance.

NM_031475.3(ESPN):c.2393T>C (p.Leu798Pro)

Gene: ESPN (espin; plus strand). Cytogenetic location: 1p36.31.
Variant type: single nucleotide variant.
Coding change: c.2393T>C on transcript NM_031475.3 (MANE Select); coding-DNA position 2393, T replaced by C.
Protein change: p.Leu798Pro; replaces leucine 798 with proline.
Molecular consequence: missense variant.
Genome position (GRCh38, 1-based): chr1:6,457,251, T>C. VCF-style: chr1-6457251-T-C. GRCh37 (hg19) VCF-style: chr1-6517311-T-C.
Other names: c.2303T>C, p.Leu768Pro (NM_001367473.1); c.2330T>C, p.Leu777Pro (NM_001367474.1); short protein forms L768P, L777P, L798P.
Identifiers: ClinVar variation 1714227 (VCV001714227.5), dbSNP rs2522956236, ClinGen allele CA338102140.